The following is an entry in ClinVar:

ClinVar aggregate classification (germline): Benign/Likely benign. Review status: criteria provided, multiple submitters, no conflicts (2 of 4 stars). 7 submissions from 6 submitters: Benign (2); Likely benign (4). 1 of the submissions does not count toward it. Last evaluated 2026-01-10.

Conditions:
KCNT1-related disorder. Also called: KCNT1-related condition.
Autosomal dominant nocturnal frontal lobe epilepsy 5. Also called: KCNT1-Related Epilepsy; CILIARY DYSKINESIA, PRIMARY, 28, WITHOUT SITUS INVERSUS; CILIARY DYSKINESIA, PRIMARY, 28, WITH SITUS INVERSUS; Epilepsy, nocturnal frontal lobe, 5. Identifiers: Orphanet 98784, MedGen C3554306, MONDO:0014002, OMIM 615005.
Developmental and epileptic encephalopathy, 14 (DEE14). Also called: Early infantile epileptic encephalopathy 14. Identifiers: Orphanet 293181, MedGen C3554195, MONDO:0013989, OMIM 614959.

Allele frequency attached by ClinVar (database versions not stated): gnomAD 0.00008 and 0.00014; TOPMed 0.00008; 1000 Genomes Project 30x 0.00125; 1000 Genomes Project 0.00140.
gnomAD v4.1: 128 of 1,576,410 alleles (0.0081%); highest among the groups gnomAD compares: East Asian, 0.16%; 1 homozygote.

Submissions (7):

Labcorp Genetics (formerly Invitae), Labcorp
Classification: Likely benign for Autosomal dominant nocturnal frontal lobe epilepsy 5; Developmental and epileptic encephalopathy, 14. Last evaluated: 2026-01-10. Review status: criteria provided, single submitter. Criteria: Invitae Variant Classification Sherloc (09022015). Collection method: clinical testing. Allele origin: germline.

Blueprint Genetics
Classification: Likely benign. Last evaluated: 2024-02-13. Review status: criteria provided, single submitter. Criteria: ACMG Guidelines, 2015. Collection method: clinical testing. Allele origin: germline.

CeGaT Center for Human Genetics Tuebingen
Classification: Benign. Last evaluated: 2022-07-01. Review status: criteria provided, single submitter. Criteria: CeGaT Center For Human Genetics Tuebingen Variant Classification Criteria Version 2. Collection method: clinical testing. Allele origin: germline. Affected: yes. Observed: 1 variant allele.
Comment: KCNT1: BS1, BS2

Genome-Nilou Lab
Classification: Likely benign for Developmental and epileptic encephalopathy, 14. Last evaluated: 2022-03-15. Review status: criteria provided, single submitter. Criteria: ACMG Guidelines, 2015. Collection method: clinical testing. Allele origin: germline. Affected: no.

Genome-Nilou Lab
Classification: Likely benign for Autosomal dominant nocturnal frontal lobe epilepsy 5. Last evaluated: 2022-03-15. Review status: criteria provided, single submitter. Criteria: ACMG Guidelines, 2015. Collection method: clinical testing. Allele origin: germline. Affected: no.

Athena Diagnostics
Classification: Benign. Last evaluated: 2017-12-08. Review status: criteria provided, single submitter. Criteria: Athena Diagnostics Criteria. Collection method: clinical testing. Allele origin: germline.

PreventionGenetics, part of Exact Sciences
Classification: Benign for KCNT1-related condition. Last evaluated: 2019-04-26. Review status: no assertion criteria provided. Collection method: clinical testing. Allele origin: germline. Not counted in ClinVar's aggregate classification.
Comment: This variant is classified as benign based on ACMG/AMP sequence variant interpretation guidelines (Richards et al. 2015 PMID: 25741868, with internal and published modifications).

NM_020822.3(KCNT1):c.3387C>T (p.Ala1129=)

Gene: KCNT1 (potassium sodium-activated channel subfamily T member 1; plus strand). Cytogenetic location: 9q34.3.
Variant type: single nucleotide variant.
Coding change: c.3387C>T on transcript NM_020822.3 (MANE Select); coding-DNA position 3387, C replaced by T.
Protein change: p.Ala1129=; no amino-acid change (alanine 1129 retained).
Molecular consequence: synonymous variant.
Genome position (GRCh38, 1-based): chr9:135,786,406, C>T. VCF-style: chr9-135786406-C-T. GRCh37 (hg19) VCF-style: chr9-138678252-C-T.
Other names: c.3252C>T, p.Ala1084= (NM_001272003.2).
Identifiers: ClinVar variation 473389 (VCV000473389.40), dbSNP rs372410150, ClinGen allele CA5327801.